The following continues an entry in ClinVar:

NM_001037.5(SCN1B):c.363C>G (p.Cys121Trp)

Gene: SCN1B. ClinVar aggregate classification (germline): Conflicting classifications of pathogenicity. Pathogenic (16); Likely pathogenic (4); Uncertain significance (1).

Submissions 7 to 21 of 23:

Greenwood Genetic Center Diagnostic Laboratories, Greenwood Genetic Center
Classification: Likely pathogenic for SCN1B-related disorder. Last evaluated: 2024-09-19. Review status: criteria provided, single submitter. Criteria: ACMG Guidelines, 2015. Collection method: clinical testing. Allele origin: germline. Affected: yes.
Comment: PS3, PP1, PP3

Rady Children's Institute for Genomic Medicine, Rady Children's Hospital San Diego
Classification: Pathogenic for SCN1B-related disorders. Last evaluated: 2024-05-13. Review status: criteria provided, single submitter. Criteria: ACMG Guidelines, 2015. Collection method: clinical testing. Allele origin: germline. Affected: yes.
Comment: Missense variation is an established mechanism of disease for SCN1B-related disorders PMID: 36291443). The c.363C>G (p.Cys121Trp) variant affects a highly conserved amino acid and is predicted by multiple in silico tools to have a deleterious effect on protein function. This variant has been previously reported as a heterozygous change in patients with SCN1B-related disorders, mainly generalized epilepsy with febrile seizures plus, including segregation with the disease in multiple families (PMID: 9697698, 12011299, 17020904). Functional studies including in vivo and in vitro studies have confirmed this variant leads to the disruption of the proper function of SCN1B protein (PMID: 22425777, 9697698, 12486163,19228957, 27277800). The c.363C>G (p.Cys121Trp) variant is present in the heterozygous state in the gnomAD v4 population database at a frequency of 0.01% (169/1614076). Based on the available evidence, c.363C>G (p.Cys121Trp) is classified as Pathogenic.

Blueprint Genetics
Classification: Uncertain significance. Last evaluated: 2023-12-04. Review status: criteria provided, single submitter. Criteria: ACMG Guidelines, 2015. Collection method: clinical testing. Allele origin: germline.

GeneDx
Classification: Pathogenic. Last evaluated: 2023-05-24. Review status: criteria provided, single submitter. Criteria: GeneDx Variant Classification Process June 2021. Collection method: clinical testing. Allele origin: germline. Affected: yes.
Comment: Published functional studies demonstrate altered channel function (Wallace et al., 1998; Meadows et al., 2002; Barbieri et al., 2012; Egri et al., 2012; Baroni et al., 2013; Kruger et al., 2016); Reported previously in an individual with late onset episodic ataxia; segregation analysis not performed (Maksemous et al., 2020); Not observed at a significant frequency in large population cohorts (gnomAD); In silico analysis supports that this missense variant has a deleterious effect on protein structure/function; This variant is associated with the following publications: (PMID: 23584539, 9697698, 12011299, 27216889, 22425777, 11866477, 12486163, 22292491, 24065921, 23527921, 17020904, 28070485, 28488083, 28717674, 29056246, 29620010, 30921204, 29263209, 29992740, 29661262, 29307654, 29335582, 31709768, 31211177, 32303391, 33526774, 33301879, 33841294, 34583279, 31440721, 32466254, 36288729, 24623842, 27277800)

Revvity Omics, Revvity
Classification: Pathogenic. Last evaluated: 2022-08-11. Review status: criteria provided, single submitter. Criteria: ACMG Guidelines, 2015. Collection method: clinical testing. Allele origin: germline.

Fulgent Genetics
Classification: Pathogenic for Generalized epilepsy with febrile seizures plus, type 1; Brugada syndrome 5; Atrial fibrillation, familial, 13; Developmental and epileptic encephalopathy, 52. Last evaluated: 2021-11-10. Review status: criteria provided, single submitter. Criteria: ACMG Guidelines, 2015. Collection method: clinical testing. Allele origin: unknown.

AiLife Diagnostics
Classification: Likely pathogenic. Last evaluated: 2021-06-28. Review status: criteria provided, single submitter. Criteria: ACMG Guidelines, 2015. Collection method: clinical testing. Allele origin: germline. Affected: yes. Observed: 1 variant allele.

Illumina Laboratory Services, Illumina
Classification: Pathogenic for Generalized epilepsy with febrile seizures plus, type 1. Last evaluated: 2021-02-16. Review status: criteria provided, single submitter. Criteria: ICSLVariantClassificationCriteria RUGD 01 April 2020. Collection method: clinical testing. Allele origin: unknown.
Comment: The SCN1B c.363C>G (p.Cys121Trp) variant is a missense variant that has been reported in at least three studies in which it is identified in a heterozygous state in at least 45 individuals from several large multi-generation families with generalized epilepsy with febrile seizures plus (GEFS+) exhibiting a range of seizure types. Seizure types included febrile, febrile seizures plus, absence and generalized tonic clonic seizures, temporal lobe epilepsy, myoclonic-astatic epilepsy and unclassified seizures (Wallace et al. 1998; Wallace et al. 2002; Scheffer et al. 2007). The p.Cys121Trp variant is also found in a heterozygous state in multiple unaffected individuals supporting incomplete penetrance of up to 60% as noted by Wallace et al. (1998), or the presence of other factors that may modify the phenotype (Scheffer et al. 2007; Carvill et al. 2014). The p.Cys121Trp variant is reported at a frequency of 0.0000310 in the European (non-Finnish) population of the Genome Aggregation Database which may be consistent with reduced penetrance. The p.Cys121Trp variant affects a highly conserved cysteine residue and putatively disrupts a disulphide bridge in the extracellular domain of the protein that maintains the structure of an extracellular immunoglobulin-like fold. Functional studies in mice expressing the Scn1b-C121W (Scn1b+/W) allele compared to mice heterozygous for the Scn1b-null allele (Scn1b+/-) demonstrated the mice expressing the Scn1b+/W allele were more susceptible to hyperthermia-induced convulsions. The same study also demonstrated that the variant protein was expressed at lower levels in the brain (approximately 50% that of wild type) and may be incompletely glycosylated resulting in abnormal subcellular localization of the protein (Kruger et al. 2016). The variant is suggested to result in a deleterious gain-of-function (Kruger et al. 2016). Based on the collective evidence and application of the ACMG criteria, the p.Cys121Trp variant is classified as pathogenic for generalized epilepsy with febrile seizures plus.

Athena Diagnostics
Classification: Pathogenic. Last evaluated: 2016-12-31. Review status: criteria provided, single submitter. Criteria: Athena Diagnostics Criteria. Collection method: clinical testing. Allele origin: germline.

Genetic Services Laboratory, University of Chicago
Classification: Pathogenic for Epilepsy, generalized, with febrile seizures plus, type 1. Last evaluated: 2016-08-25. Review status: criteria provided, single submitter. Criteria: ACMG Guidelines, 2015. Collection method: clinical testing. Allele origin: germline. Affected: yes.

Eurofins Ntd Llc (ga)
Classification: Pathogenic. Last evaluated: 2016-03-29. Review status: criteria provided, single submitter. Criteria: EGL Classification Definitions 2015. Collection method: clinical testing. Allele origin: germline. Observed: 2 variant alleles, 2 heterozygotes.

Courtagen Diagnostics Laboratory, Courtagen Life Sciences
Classification: Pathogenic for Atrial fibrillation, familial, 13. Last evaluated: 2014-12-17. Review status: criteria provided, single submitter. Criteria: Courtagen Life Sciences Classifications. Collection method: clinical testing. Allele origin: germline. Affected: yes.

Center for Genomics, Ann and Robert H. Lurie Children's Hospital of Chicago
Classification: Pathogenic for Generalized epilepsy with febrile seizures plus, type 1; Developmental and epileptic encephalopathy, 52; Brugada syndrome 5; Atrial fibrillation, familial, 13. Review status: criteria provided, single submitter. Criteria: ACMG Guidelines, 2015. Collection method: clinical testing. Allele origin: germline.
Comment: This variant has been reported in the literature and in public databases in numerous individuals with generalized epilepsy with febrile seizures plus (GEFS+), and has been shown to segregate with GEFS+ in multiple large families, though it does appear to exhibit incomplete penetrance (Selected publications: Wallace 1998 PMID: 9697698; Scheffer 2007 PMID: 17020904; Butler 2017 PMID: 29056246; ClinVar Variation ID: 9252). However, this variant was also noted to not segregate with the febrile seizures phenotype in several individuals in one of the large families studied (Wallace 1998 PMID: 9697698). Of note, this variant has not been reported in association with cardiac arrhythmia. This variant is present in the Genome Aggregation Database (Highest reported MAF: 0.003% [4/129198]); please note, disease-causing variants may be present in control databases at low frequencies, reflective of the general population, incomplete penetrance, and/or variable expressivity. This variant is well characterized functionally, with in vitro studies demonstrating that this variant alters sodium channel activity, specifically temperature-dependent hyperexcitability (Selected publications: Wallace 1998 PMID: 9697698; Meadows 2002 PMID: 12486163; Tammaro 2002 PMID: 11866477; Egri 2012 PMID: 22292491). Mouse models with this variant were found to have increased susceptibility to hyperthermia-induced convulsions compared to those with the wild-type sodium channel (Kruger 2016 PMID: 27277800). This variant alters a cysteine residue that is involved in a disulfide bridge predicted to stabilize the extracellular immunoglobulin domain of the encoded protein (Wallace 1998 PMID: 9697698; Barbieri 2012 PMID: 22425777). Evolutionary conservation and computational predictive tools further support that this variant impacts the protein. In summary, this variant is classified as pathogenic.

Solve-RD Consortium
Classification: Pathogenic for Generalized epilepsy with febrile seizures plus, type 1. Review status: criteria provided, single submitter. Criteria: ACMG Guidelines, 2015. Collection method: provider interpretation. Allele origin: germline. Inheritance: Autosomal dominant inheritance. Affected: yes. Study: Solve-RD DIFT-EpiCARE reanalysis.
Comment: PS4, PS3, PP3, PM1

Variant identified during reanalysis of unsolved cases by the Solve-RD project. The Solve-RD project has received funding from the European Union’s Horizon 2020 research and innovation programme under grant agreement No 779257.

Stanford Center for Inherited Cardiovascular Disease, Stanford University
Classification: Likely pathogenic. Review status: criteria provided, single submitter. Criteria: ACMG Guidelines, 2015. Collection method: provider interpretation. Allele origin: germline.